The following is an entry in ClinVar:

NM_005912.3(MC4R):c.292G>A (p.Gly98Arg)

Gene: MC4R (melanocortin 4 receptor; minus strand). Cytogenetic location: 18q21.32.
Variant type: single nucleotide variant.
Coding change: c.292G>A on transcript NM_005912.3 (MANE Select); coding-DNA position 292, G replaced by A.
Protein change: p.Gly98Arg; replaces glycine 98 with arginine.
Molecular consequence: missense variant.
Genome position (GRCh38, 1-based): chr18:60,372,058, C>T on the plus strand (G>A on the coding strand, the complement: MC4R is on the minus strand). VCF-style: chr18-60372058-C-T. GRCh37 (hg19) VCF-style: chr18-58039291-C-T.
Other names: short protein forms G98R.
Identifiers: ClinVar variation 3723183 (VCV003723183.4).

ClinVar aggregate classification (germline): Conflicting classifications of pathogenicity. Review status: criteria provided, conflicting classifications (1 of 4 stars). 2 submissions from 2 submitters: Likely pathogenic (1); Uncertain significance (1). Last evaluated 2024-10-30.

Submissions (2):

Labcorp Genetics (formerly Invitae), Labcorp
Classification: Uncertain significance. Last evaluated: 2024-10-30. Review status: criteria provided, single submitter. Criteria: Invitae Variant Classification Sherloc (09022015). Collection method: clinical testing. Allele origin: germline.
Comment: This sequence change replaces glycine, which is neutral and non-polar, with arginine, which is basic and polar, at codon 98 of the MC4R protein (p.Gly98Arg). This variant is present in population databases (rs2282556, gnomAD 0.006%). This missense change has been observed in individual(s) with obesity (PMID: 11756348). Invitae Evidence Modeling of protein sequence and biophysical properties (such as structural, functional, and spatial information, amino acid conservation, physicochemical variation, residue mobility, and thermodynamic stability) indicates that this missense variant is not expected to disrupt MC4R protein function with a negative predictive value of 80%. Experimental studies have shown that this missense change affects MC4R function (PMID: 12959994, 17668051, 20462274). In summary, the available evidence is currently insufficient to determine the role of this variant in disease. Therefore, it has been classified as a Variant of Uncertain Significance.

Genetic Services Laboratory, University of Chicago
Classification: Likely pathogenic. Last evaluated: 2024-04-24. Review status: criteria provided, single submitter. Criteria: ACMG Guidelines, 2015. Collection method: clinical testing. Allele origin: germline. Affected: yes.
Comment: DNA sequence analysis of the MC4R gene demonstrated a sequence change, c.292G>A, in exon 1 that results in an amino acid change, p.Gly98Arg. The p.Gly98Arg change affects a highly conserved amino acid residue located in a domain of the MC4R protein that is known to be functional. In-silico pathogenicity prediction tools (SIFT, PolyPhen2, Align GVGD, REVEL) provide contradictory results for the p.Gly98Arg substitution. This particular amino acid change has been previously described in the literature in the homozygous state in an individual with severe obesity; this individuals heterozygous parents were overweight (PMID: 11756348). Functional studies indicate that this sequence change has a damaging impact on protein function (PMID: 11756348, 25332687, 17628007, 20462274, 12959994). This sequence change has been described in the gnomAD database with a frequency of 0.002% in the overall population (dbSNP rs2282556). The p.Gly98Arg amino acid change occurs in a region of the MC4R gene where other missense sequence changes have been described in individuals with autosomal dominant MC4R-related obesity (PMID: 1258880, 12970296, 11487744). Collectively, this evidence indicates that this sequence change is likely pathogenic.

Literature cited by the submitters: PubMed 11756348 (cited by Labcorp Genetics (formerly Invitae), Labcorp); PubMed 12959994 (cited by Labcorp Genetics (formerly Invitae), Labcorp); PubMed 17668051 (cited by Labcorp Genetics (formerly Invitae), Labcorp); PubMed 20462274 (cited by Labcorp Genetics (formerly Invitae), Labcorp).